The following is an entry in ClinVar:

ClinVar aggregate classification (germline): Uncertain significance. Review status: criteria provided, multiple submitters, no conflicts (2 of 4 stars). 2 submissions from 2 submitters: Uncertain significance (2). Last evaluated 2025-05-07.

Conditions:
FOCAD-related disorder. Also called: FOCAD-related condition.
Inborn genetic diseases. Identifiers: MedGen C0950123, MeSH D030342.

gnomAD v4.1: 8 of 1,613,852 alleles (0.0005%); highest among the groups gnomAD compares: South Asian, 0.0044%; no homozygotes.

Submissions (2):

Ambry Genetics
Classification: Uncertain significance for Inborn genetic diseases. Last evaluated: 2025-05-07. Review status: criteria provided, single submitter. Criteria: Ambry Variant Classification Scheme 2023. Collection method: clinical testing. Allele origin: germline.

PreventionGenetics, part of Exact Sciences
Classification: Uncertain significance for FOCAD-related condition. Last evaluated: 2025-02-25. Review status: criteria provided, single submitter. Criteria: ACMG Guidelines, 2015. Collection method: clinical testing. Allele origin: germline.
Comment: The FOCAD c.872A>G variant is predicted to result in the amino acid substitution p.His291Arg. To our knowledge, this variant has not been reported in the literature. This variant is reported in 0.0033% of alleles in individuals of South Asian descent in gnomAD. At this time, the clinical significance of this variant is uncertain due to the absence of conclusive functional and genetic evidence.

NM_001375567.1(FOCAD):c.872A>G (p.His291Arg)

Gene: FOCAD (focadhesin; plus strand). Cytogenetic location: 9p21.3.
Variant type: single nucleotide variant.
Coding change: c.872A>G on transcript NM_001375567.1 (MANE Select); coding-DNA position 872, A replaced by G.
Protein change: p.His291Arg; replaces histidine 291 with arginine.
Molecular consequence: missense variant.
Genome position (GRCh38, 1-based): chr9:20,770,204, A>G. VCF-style: chr9-20770204-A-G. GRCh37 (hg19) VCF-style: chr9-20770203-A-G.
Other names: c.872A>G, p.His291Arg (NM_001375568.1, NM_017794.5); c.767A>G, p.His256Arg (NM_001375570.1); c.872A>G (NM_017794.4); short protein forms H256R, H291R.
Identifiers: ClinVar variation 4026112 (VCV004026112.2).